The following is an entry in ClinVar:

ClinVar aggregate classification (germline): Uncertain significance (1 of 4 stars; one submission).

Conditions:
Inborn genetic diseases. Identifiers: MedGen C0950123, MeSH D030342.

gnomAD v4.1: 1 of 1,614,104 alleles (0.000062%); highest among the groups gnomAD compares: Non-Finnish European, 0.000085%; no homozygotes.

Submission:

Ambry Genetics
Classification: Uncertain significance for Inborn genetic diseases. Last evaluated: 2020-06-30. Review status: criteria provided, single submitter. Criteria: Ambry Variant Classification Scheme 2023. Collection method: clinical testing. Allele origin: germline.
Comment: The p.Q1864R variant (also known as c.5591A>G), located in coding exon 11 of the SETX gene, results from an A to G substitution at nucleotide position 5591. The glutamine at codon 1864 is replaced by arginine, an amino acid with highly similar properties. This amino acid position is well conserved in available vertebrate species. In addition, the in silico prediction for this alteration is inconclusive. Since supporting evidence is limited at this time, the clinical significance of this alteration remains unclear.

NM_015046.7(SETX):c.5591A>G (p.Gln1864Arg)

Gene: SETX (senataxin; minus strand). Cytogenetic location: 9q34.13.
Variant type: single nucleotide variant.
Coding change: c.5591A>G on transcript NM_015046.7 (MANE Select); coding-DNA position 5591, A replaced by G.
Protein change: p.Gln1864Arg; replaces glutamine 1864 with arginine.
Molecular consequence: missense variant.
Genome position (GRCh38, 1-based): chr9:132,298,270, T>C on the plus strand (A>G on the coding strand, the complement: SETX is on the minus strand). VCF-style: chr9-132298270-T-C. GRCh37 (hg19) VCF-style: chr9-135173657-T-C.
Other names: c.5591A>G, p.Gln1864Arg (NM_001351527.2, NM_001351528.2); short protein forms Q1864R.
Identifiers: ClinVar variation 1748494 (VCV001748494.2), dbSNP rs375747001, ClinGen allele CA375346715.